The following is an entry in ClinVar:

ClinVar aggregate classification (germline): Uncertain significance (1 of 4 stars; one submission).

Conditions:
Agammaglobulinemia 3, autosomal recessive (AGM3). Also called: AGAMMAGLOBULINEMIA 3; AGAMMAGLOBULINEMIA, AUTOSOMAL RECESSIVE, DUE TO CD79A DEFECT. Identifiers: MedGen C3150751, MONDO:0013288, OMIM 613501.

Allele frequency attached by ClinVar (database versions not stated): gnomAD exomes 0.00001; ExAC 0.00003.

Submission:

Labcorp Genetics (formerly Invitae), Labcorp
Classification: Uncertain significance for Agammaglobulinemia 3, autosomal recessive. Last evaluated: 2022-11-08. Review status: criteria provided, single submitter. Criteria: Invitae Variant Classification Sherloc (09022015). Collection method: clinical testing. Allele origin: germline.
Comment: Algorithms developed to predict the effect of missense changes on protein structure and function are either unavailable or do not agree on the potential impact of this missense change (SIFT: "Tolerated"; PolyPhen-2: "Probably Damaging"; Align-GVGD: "Class C0"). In summary, the available evidence is currently insufficient to determine the role of this variant in disease. Therefore, it has been classified as a Variant of Uncertain Significance. ClinVar contains an entry for this variant (Variation ID: 1020949). This variant has not been reported in the literature in individuals affected with CD79A-related conditions. This variant is present in population databases (rs782709381, gnomAD 0.007%). This sequence change replaces arginine, which is basic and polar, with histidine, which is basic and polar, at codon 126 of the CD79A protein (p.Arg126His).

NM_001783.4(CD79A):c.377G>A (p.Arg126His)

Genes: CD79A (CD79a molecule; plus strand), RPS19-CD79A (RPS19-CD79A readthrough; plus strand). Cytogenetic location: 19q13.2.
Variant type: single nucleotide variant.
Coding change: c.377G>A on transcript NM_001783.4 (MANE Select); coding-DNA position 377, G replaced by A.
Protein change: p.Arg126His; replaces arginine 126 with histidine.
Molecular consequence: missense variant. On other transcripts: intron variant (1).
Genome position (GRCh38, 1-based): chr19:41,879,287, G>A. VCF-style: chr19-41879287-G-A. GRCh37 (hg19) VCF-style: chr19-42383357-G-A.
Other names: c.265+112G>A (NM_021601.4); short protein forms R126H.
Identifiers: ClinVar variation 1020949 (VCV001020949.8), dbSNP rs782709381, ClinGen allele CA9465569.
Genomic context (GRCh38, chr19:41,879,287, plus strand): 5'-GCCGGGTCCAGGAGGGCAACGAGTCATACCAGCAGTCCTGCGGCACCTACCTCCGCGTGC[G>A]CCGTGAGTGGCCCAGCCCTGGCCCCTACTCCCACTGTCCCGCTGGGGACACTCGGTTTAT-3'
Protein context (NP_001774.1, residues 116-136): QQSCGTYLRV[Arg126His]QPPPRPFLDM